The following is an entry in ClinVar:

ClinVar aggregate classification (germline): Uncertain significance (1 of 4 stars; one submission).

gnomAD v4.1: 1 of 1,614,130 alleles (0.000062%); highest among the groups gnomAD compares: South Asian, 0.0011%; no homozygotes.

Submission:

GeneDx
Classification: Uncertain significance. Last evaluated: 2025-01-07. Review status: criteria provided, single submitter. Criteria: GeneDx Variant Classification Process June 2021. Collection method: clinical testing. Allele origin: germline. Affected: yes.
Comment: Not observed at significant frequency in large population cohorts (gnomAD); In silico analysis supports that this missense variant has a deleterious effect on protein structure/function; Has not been previously published as pathogenic or benign to our knowledge

NM_001148.6(ANK2):c.1012A>G (p.Met338Val)

Gene: ANK2 (ankyrin 2; plus strand). Cytogenetic location: 4q26.
Variant type: single nucleotide variant.
Coding change: c.1012A>G on transcript NM_001148.6 (MANE Select); coding-DNA position 1012, A replaced by G.
Protein change: p.Met338Val; replaces methionine 338 with valine.
Molecular consequence: missense variant.
Genome position (GRCh38, 1-based): chr4:113,255,756, A>G. VCF-style: chr4-113255756-A-G. GRCh37 (hg19) VCF-style: chr4-114176912-A-G.
Other names: c.949A>G, p.Met317Val (NM_001127493.3, NM_001354239.2, NM_001354243.2 and 14 more transcripts); c.1012A>G, p.Met338Val (NM_001354225.2, NM_001354228.2, NM_001354232.2 and 9 more transcripts); c.1057A>G, p.Met353Val (NM_001354230.2, NM_001354231.2, NM_001354237.2 and 5 more transcripts); c.925A>G, p.Met309Val (NM_001354249.2, NM_001354260.2, NM_001354264.2 and 16 more transcripts); c.970A>G, p.Met324Val (NM_001354261.2, NM_001386147.1, NM_001386160.1); c.1000A>G, p.Met334Val (NM_001354269.3, NM_001386148.2, NM_001386186.2); c.1063A>G, p.Met355Val (NM_001386174.1); c.1039A>G, p.Met347Val (NM_001386175.1); and 1 more; short protein forms M334V, M309V, M317V, M326V, M347V, M355V, M338V, M353V.
Identifiers: ClinVar variation 4056070 (VCV004056070.1).